The following is an entry in ClinVar:

ClinVar aggregate classification (germline): Likely benign. Review status: criteria provided, multiple submitters, no conflicts (2 of 4 stars). 2 submissions from 2 submitters: Likely benign (2). Last evaluated 2025-09-01.

Allele frequency attached by ClinVar (database versions not stated): ExAC 0.00002; gnomAD exomes 0.00002; gnomAD 0.00003.
gnomAD v4.1: 37 of 1,614,040 alleles (0.0023%); highest among the groups gnomAD compares: South Asian, 0.0055%; no homozygotes.

Submissions (2):

CeGaT Center for Human Genetics Tuebingen
Classification: Likely benign. Last evaluated: 2025-09-01. Review status: criteria provided, single submitter. Criteria: CeGaT Center For Human Genetics Tuebingen Variant Classification Criteria Version 2. Collection method: clinical testing. Allele origin: germline. Affected: yes. Observed: 1 variant allele.
Comment: MFSD2A: BP4, BP7

Labcorp Genetics (formerly Invitae), Labcorp
Classification: Likely benign. Last evaluated: 2023-06-29. Review status: criteria provided, single submitter. Criteria: Invitae Variant Classification Sherloc (09022015). Collection method: clinical testing. Allele origin: germline.

NM_032793.5(MFSD2A):c.1233C>T (p.Asp411=)

Gene: MFSD2A (MFSD2 lysolipid transporter A, lysophospholipid; plus strand). Cytogenetic location: 1p34.2.
Variant type: single nucleotide variant.
Coding change: c.1233C>T on transcript NM_032793.5 (MANE Select); coding-DNA position 1233, C replaced by T.
Protein change: p.Asp411=; no amino-acid change (aspartic acid 411 retained).
Molecular consequence: synonymous variant. On other transcripts: non-coding transcript variant (1).
Genome position (GRCh38, 1-based): chr1:39,968,358, C>T. VCF-style: chr1-39968358-C-T. GRCh37 (hg19) VCF-style: chr1-40434030-C-T.
Other names: c.1272C>T, p.Asp424= (NM_001136493.3); c.765C>T, p.Asp255= (NM_001287808.2); c.1116C>T, p.Asp372= (NM_001287809.2); c.1227C>T, p.Asp409= (NM_001349821.2); c.1149C>T, p.Asp383= (NM_001349822.2); c.888C>T, p.Asp296= (NM_001349823.2).
Identifiers: ClinVar variation 1982828 (VCV001982828.12), dbSNP rs774969723, ClinGen allele CA788947.